The following is an entry in ClinVar:

ClinVar aggregate classification (germline): Conflicting classifications of pathogenicity. Review status: criteria provided, conflicting classifications (1 of 4 stars). 4 submissions from 4 submitters: Uncertain significance (3); Likely benign (1). Last evaluated 2025-10-05.

Conditions:
Cardiovascular phenotype. Identifiers: MedGen CN230736.
Cardiomyopathy (CMYO). Also called: Cardiomyopathies. Identifiers: Orphanet 167848, MedGen C0878544, MONDO:0004994, HP:0001638. Inheritance: Various modes of inheritance.
Arrhythmogenic cardiomyopathy with wooly hair and keratoderma. Also called: PALMOPLANTAR KERATODERMA WITH LEFT VENTRICULAR CARDIOMYOPATHY AND WOOLLY HAIR; Carvajal syndrome; Dilated cardiomyopathy with woolly hair and keratoderma; Arrhythmogenic cardiomyopathy with woolly hair and keratoderma. Identifiers: Orphanet 65282, MedGen C1854063, MONDO:0011581, OMIM 605676.
Arrhythmogenic right ventricular dysplasia 8 (ARVD8). Also called: ARRHYTHMOGENIC RIGHT VENTRICULAR DYSPLASIA, FAMILIAL, 8; Arrhythmogenic Right Ventricular Dysplasia/Cardiomyopathy 8; ARRHYTHMOGENIC RIGHT VENTRICULAR CARDIOMYOPATHY 8. Identifiers: MedGen C1843896, MONDO:0011831, OMIM 607450.

Allele frequency attached by ClinVar (database versions not stated): gnomAD exomes below 0.00001; ESP Exome Variant Server 0.00008.
gnomAD v4.1: 11 of 1,613,954 alleles (0.00068%); highest among the groups gnomAD compares: African/African-American, 0.0013%; no homozygotes.

Submissions (4):

Ambry Genetics
Classification: Uncertain significance for Cardiovascular phenotype. Last evaluated: 2025-10-05. Review status: criteria provided, single submitter. Criteria: Ambry Variant Classification Scheme 2023. Collection method: clinical testing. Allele origin: germline.
Comment: The p.R1912S variant (also known as c.5736G>T), located in coding exon 24 of the DSP gene, results from a G to T substitution at nucleotide position 5736. The arginine at codon 1912 is replaced by serine, an amino acid with dissimilar properties. This amino acid position is conserved. In addition, the in silico prediction for this alteration is inconclusive. Since supporting evidence is limited at this time, the clinical significance of this alteration remains unclear.

Labcorp Genetics (formerly Invitae), Labcorp
Classification: Likely benign for Arrhythmogenic cardiomyopathy with wooly hair and keratoderma; Arrhythmogenic right ventricular dysplasia 8. Last evaluated: 2024-06-04. Review status: criteria provided, single submitter. Criteria: Invitae Variant Classification Sherloc (09022015). Collection method: clinical testing. Allele origin: germline.

Color Diagnostics, LLC DBA Color Health
Classification: Uncertain significance for Cardiomyopathy. Last evaluated: 2024-03-06. Review status: criteria provided, single submitter. Criteria: ACMG Guidelines, 2015. Collection method: clinical testing. Allele origin: germline.
Comment: This missense variant replaces arginine with serine at codon 1912 of the DSP protein. Computational prediction suggests that this variant may not impact protein structure and function (internally defined REVEL score threshold <= 0.5, PMID: 27666373). To our knowledge, functional studies have not been reported for this variant. This variant has not been reported in individuals affected with cardiovascular disorders in the literature. This variant has been identified in 1/251196 chromosomes in the general population by the Genome Aggregation Database (gnomAD). The available evidence is insufficient to determine the role of this variant in disease conclusively. Therefore, this variant is classified as a Variant of Uncertain Significance.

All of Us Research Program, National Institutes of Health
Classification: Uncertain significance for Arrhythmogenic cardiomyopathy with wooly hair and keratoderma. Last evaluated: 2024-03-05. Review status: criteria provided, single submitter. Criteria: ACMG Guidelines, 2015. Collection method: clinical testing. Allele origin: germline. Inheritance: Autosomal dominant inheritance. Observed: 2 variant alleles, 2 heterozygotes.
Comment: This missense variant replaces arginine with serine at codon 1912 of the DSP protein. Computational prediction suggests that this variant may not impact protein structure and function (internally defined REVEL score threshold <= 0.5, PMID: 27666373). To our knowledge, functional studies have not been reported for this variant. This variant has not been reported in individuals affected with cardiovascular disorders in the literature. This variant has been identified in 1/251196 chromosomes in the general population by the Genome Aggregation Database (gnomAD). The available evidence is insufficient to determine the role of this variant in disease conclusively. Therefore, this variant is classified as a Variant of Uncertain Significance.

This study involves interpretation of variants in research participants for the purpose of population health screening. Participant phenotype was not available at the time of variant classification. Additional details can be found in publication PMID: 35346344, PMCID: PMC8962531

NM_004415.4(DSP):c.5736G>T (p.Arg1912Ser)

Gene: DSP (desmoplakin; plus strand). Cytogenetic location: 6p24.3.
Variant type: single nucleotide variant.
Coding change: c.5736G>T on transcript NM_004415.4 (MANE Select); coding-DNA position 5736, G replaced by T.
Protein change: p.Arg1912Ser; replaces arginine 1912 with serine.
Molecular consequence: missense variant.
Genome position (GRCh38, 1-based): chr6:7,582,998, G>T. VCF-style: chr6-7582998-G-T. GRCh37 (hg19) VCF-style: chr6-7583231-G-T.
Other names: c.3939G>T, p.Arg1313Ser (NM_001008844.3); c.4407G>T, p.Arg1469Ser (NM_001319034.2); short protein forms R1469S, R1313S, R1912S.
Identifiers: ClinVar variation 834382 (VCV000834382.20), dbSNP rs371873840, ClinGen allele CA133972240.